The following is an entry in ClinVar:

NM_000128.4(F11):c.1486C>T (p.Gln496Ter)

Genes: F11 (coagulation factor XI; plus strand), F11-AS1 (F11 antisense RNA 1; minus strand). Cytogenetic location: 4q35.2.
Variant type: single nucleotide variant.
Coding change: c.1486C>T on transcript NM_000128.4 (MANE Select); coding-DNA position 1486, C replaced by T.
Protein change: p.Gln496Ter; replaces glutamine 496 with a stop codon.
Molecular consequence: nonsense. On other transcripts: intron variant (4).
Genome position (GRCh38, 1-based): chr4:186,286,420, C>T. VCF-style: chr4-186286420-C-T. GRCh37 (hg19) VCF-style: chr4-187207574-C-T.
Other names: c.1438C>T, p.Gln480Ter (NM_001440590.1); c.1216C>T, p.Gln406Ter (NM_001440605.1); c.1168C>T, p.Gln390Ter (NM_001440606.1); c.1480+607C>T (NM_001440593.1); c.1432+607C>T (NM_001440596.1); c.1210+607C>T (NM_001440607.1); c.1162+607C>T (NM_001440608.1); short protein forms Q390*, Q406*, Q480*, Q496*.
Identifiers: ClinVar variation 4813767 (VCV004813767.2).

ClinVar aggregate classification (germline): Pathogenic/Likely pathogenic. Review status: criteria provided, multiple submitters, no conflicts (2 of 4 stars). 2 submissions from 2 submitters: Pathogenic (1); Likely pathogenic (1). Last evaluated 2025-11-05.

Conditions:
Hereditary factor XI deficiency disease. Also called: PLASMA THROMBOPLASTIN ANTECEDENT DEFICIENCY; PTA DEFICIENCY; ROSENTHAL SYNDROME; Congenital factor XI deficiency. Identifiers: Orphanet 329, MedGen C0015523, MeSH D005173, MONDO:0012897, OMIM 612416.

Submissions (2):

Variantyx, Inc.
Classification: Likely pathogenic for Hereditary factor XI deficiency disease. Last evaluated: 2025-11-05. Review status: criteria provided, single submitter. Criteria: Variantyx Assertion Criteria 2022. Collection method: clinical testing. Allele origin: germline. Inheritance: Semidominant inheritance.
Comment: This is a nonsense variant in the F11 gene (OMIM: 264900). Pathogenic variants in this gene have been associated with autosomal semidominant factor XI deficiency. This variant introduces a premature termination codon in exon 13 out of 15 and is expected to result in loss of function, which is a known disease mechanism for F11 in this disorder (PVS1). This variant is absent from control populations (PM2) and has not been reported in individuals with F11-related disorders in the databases available for review. Notably, heterozygotes are partially deficient for F11 coagulation activity and may have milder symptoms (PMID: 19652879, 11564078). Based on the current evidence, this variant is classified as likely pathogenic for autosomal semidominant factor XI deficiency.

Myriad Genetics, Inc.
Classification: Pathogenic for Hereditary factor XI deficiency disease. Last evaluated: 2024-05-14. Review status: criteria provided, single submitter. Criteria: Myriad Autosomal Dominant, Autosomal Recessive and X-Linked Classification Criteria (2023). Collection method: clinical testing. Allele origin: unknown.
Comment: NM_000128.3(F11):c.1486C>T(Q496*) is expected to be pathogenic in the context of factor XI deficiency. This variant is predicted to lead to an abnormal or absent protein product due to the creation of a premature termination codon in F11, a gene where loss-of-function variants are known to be pathogenic. Please note: this variant was assessed in the context of healthy population screening.

Literature cited by the submitters: PubMed 19652879 (cited by Variantyx, Inc.); PubMed 11564078 (cited by Variantyx, Inc.).